The following is an entry in ClinVar:

ClinVar aggregate classification (germline): Uncertain significance. Review status: criteria provided, multiple submitters, no conflicts (2 of 4 stars). 3 submissions from 3 submitters: Uncertain significance (3). Last evaluated 2025-08-09.

Conditions:
Inborn genetic diseases. Identifiers: MedGen C0950123, MeSH D030342.
Fanconi anemia complementation group P. Also called: SLX4-Related Fanconi Anemia. Identifiers: Orphanet 84, MedGen C3469542, MONDO:0013499, OMIM 613951.
Fanconi anemia (FA). Also called: Fanconi's anemia. Identifiers: Orphanet 84, MedGen C0015625, MeSH D005199, MONDO:0019391.

Allele frequency attached by ClinVar (database versions not stated): gnomAD exomes below 0.00001; gnomAD 0.00001; TOPMed 0.00003.
gnomAD v4.1: 1 of 1,613,280 alleles (0.000062%); highest among the groups gnomAD compares: Admixed American, 0.0017%; no homozygotes.

Submissions (3):

Ambry Genetics
Classification: Uncertain significance for Inborn genetic diseases. Last evaluated: 2025-08-09. Review status: criteria provided, single submitter. Criteria: Ambry Variant Classification Scheme 2023. Collection method: clinical testing. Allele origin: germline.

Labcorp Genetics (formerly Invitae), Labcorp
Classification: Uncertain significance for Fanconi anemia. Last evaluated: 2022-08-19. Review status: criteria provided, single submitter. Criteria: Invitae Variant Classification Sherloc (09022015). Collection method: clinical testing. Allele origin: germline.
Comment: This sequence change replaces arginine, which is basic and polar, with glycine, which is neutral and non-polar, at codon 1279 of the SLX4 protein (p.Arg1279Gly). This variant is present in population databases (no rsID available, gnomAD 0.0009%). This variant has not been reported in the literature in individuals affected with SLX4-related conditions. ClinVar contains an entry for this variant (Variation ID: 1360024). Algorithms developed to predict the effect of missense changes on protein structure and function output the following: SIFT: "Deleterious"; PolyPhen-2: "Benign"; Align-GVGD: "Class C0". The glycine amino acid residue is found in multiple mammalian species, which suggests that this missense change does not adversely affect protein function. In summary, the available evidence is currently insufficient to determine the role of this variant in disease. Therefore, it has been classified as a Variant of Uncertain Significance.

Fulgent Genetics
Classification: Uncertain significance for Fanconi anemia complementation group P. Last evaluated: 2022-03-24. Review status: criteria provided, single submitter. Criteria: ACMG Guidelines, 2015. Collection method: clinical testing. Allele origin: unknown.

NM_032444.4(SLX4):c.3835A>G (p.Arg1279Gly)

Gene: SLX4 (SLX4 structure-specific endonuclease subunit; minus strand). Cytogenetic location: 16p13.3.
Variant type: single nucleotide variant.
Coding change: c.3835A>G on transcript NM_032444.4 (MANE Select); coding-DNA position 3835, A replaced by G.
Protein change: p.Arg1279Gly; replaces arginine 1279 with glycine.
Molecular consequence: missense variant.
Genome position (GRCh38, 1-based): chr16:3,589,803, T>C on the plus strand (A>G on the coding strand, the complement: SLX4 is on the minus strand). VCF-style: chr16-3589803-T-C. GRCh37 (hg19) VCF-style: chr16-3639804-T-C.
Other names: c.3835A>G (NM_032444.2); short protein forms R1279G.
Identifiers: ClinVar variation 1360024 (VCV001360024.5), dbSNP rs1252550783, ClinGen allele CA394519150.
Genomic context (GRCh38, chr16:3,589,803, plus strand): 5'-TGTTTCCTACTGAGGCCCTGGGCGTGTGCTGAGTCACCGCCTGCACGGCCAGCCCGCTCC[T>C]GAGGCTGCTGATTTGGGTCTGGGAAGAACAGTCACGGCTTCTGCTGGCCAGCGGGGTGGC-3'
Protein context (NP_115820.2, residues 1269-1289): CSSQTQISSL[Arg1279Gly]SGLAVQAVTQ